The following is an entry in ClinVar:

NM_001379403.1(WDR26):c.217_218dup (p.Leu74fs)

Gene: WDR26 (WD repeat domain 26; minus strand). Cytogenetic location: 1q42.12.
Variant type: Duplication.
Coding change: c.217_218dup on transcript NM_001379403.1 (MANE Select); coding-DNA positions 217 to 218, 2 bases duplicated (GG; older notation c.217_218dupGG).
Protein change: p.Leu74fs; shifts the reading frame from leucine 74.
Molecular consequence: frameshift variant. On other transcripts: 5 prime UTR variant (2).
Genome position (GRCh38, 1-based): chr1:224,434,188-224,434,189, CC duplicated on the plus strand (GG on the coding strand, the reverse complement: WDR26 is on the minus strand); duplicating any 2 consecutive bases within chr1:224,434,188-224,434,190 gives the same sequence; the c. name uses the placement nearest the transcript's 3' end. VCF-style (leftmost placement, unchanged base first): chr1-224434187-T-TCC. GRCh37 (hg19) VCF-style: chr1-224621889-T-TCC.
Other names: c.-84_-83dup (NM_001115113.3, NM_025160.7); short protein forms L74fs.
Identifiers: ClinVar variation 5043506 (VCV005043506.1).

ClinVar aggregate classification (germline): Pathogenic (1 of 4 stars; one submission).

Conditions:
Skraban-Deardorff syndrome. Also called: WDR26-Related Intellectual Disability; INTELLECTUAL DISABILITY WITH SEIZURES, ABNORMAL GAIT, AND DISTINCTIVE FACIAL FEATURES. Identifiers: Orphanet 513456, MedGen C4539927, MONDO:0054636, OMIM 617616.

Submission:

Molecular Genetics Laboratory, Motol Hospital
Classification: Pathogenic for Skraban-Deardorff syndrome. Last evaluated: 2026-10-02. Review status: criteria provided, single submitter. Criteria: ACMG Guidelines, 2015. Collection method: clinical testing. Allele origin: de novo. Inheritance: Sporadic. Affected: yes. Observed: 1 variant allele, 1 heterozygote.
Comment: Not present in the control non-Finnish European population (gnomAD v4.1.2) (PM2). Rare truncating variants in the WDR26 are associated with autosomal dominant Skraban-Deardorff syndrome (OMIM #617616) (PVS1). The variant is classified as pathogenic.

Literature cited by the submitters: PubMed 28686853; PubMed 33675273; PubMed 40826479; NCBI Bookshelf NBK540448.